The following is an entry in ClinVar:

NM_000718.4(CACNA1B):c.4585-9T>C

Gene: CACNA1B (calcium voltage-gated channel subunit alpha1 B; plus strand). Cytogenetic location: 9q34.3.
Variant type: single nucleotide variant.
Coding change: c.4585-9T>C on transcript NM_000718.4 (MANE Select); 9 bases into the intron before coding-DNA position 4585, T replaced by C.
Molecular consequence: intron variant.
Genome position (GRCh38, 1-based): chr9:138,059,645, T>C. VCF-style: chr9-138059645-T-C. GRCh37 (hg19) VCF-style: chr9-140954097-T-C.
Other names: c.4585-9T>C (NM_001243812.2).
Identifiers: ClinVar variation 4981377 (VCV004981377.1).

ClinVar aggregate classification (germline): Likely benign (1 of 4 stars; one submission).

Conditions:
CACNA1B-related disorder. Also called: CACNA1B-related condition.

gnomAD v4.1: 9 of 1,571,562 alleles (0.00057%); highest among the groups gnomAD compares: Non-Finnish European, 0.00079%; no homozygotes.

Submission:

PreventionGenetics, part of Exact Sciences
Classification: Likely benign for CACNA1B-related condition. Last evaluated: 2025-03-01. Review status: criteria provided, single submitter. Criteria: ACMG Guidelines, 2015. Collection method: clinical testing. Allele origin: germline.
Comment: This variant is classified as likely benign based on ACMG/AMP sequence variant interpretation guidelines (Richards et al. 2015 PMID: 25741868, with internal and published modifications).